The following is an entry in ClinVar:

ClinVar aggregate classification (germline): Benign. Review status: criteria provided, multiple submitters, no conflicts (2 of 4 stars). 2 submissions from 2 submitters: Benign (2). Last evaluated 2018-01-13.

Conditions:
Transcobalamin II deficiency (TCN2D). Also called: TC II DEFICIENCY; TCN2 DEFICIENCY; Transcolabamin II deficiency. Identifiers: Orphanet 859, MedGen C0342701, MONDO:0010149, OMIM 275350.

Allele frequency attached by ClinVar (database versions not stated): gnomAD exomes 0.23383; 1000 Genomes Project 30x 0.25718; TOPMed 0.25946; gnomAD 0.26261 and 0.26603; 1000 Genomes Project 0.26278.
gnomAD v4.1: 67,094 of 268,302 alleles (25%); highest among the groups gnomAD compares: African/African-American, 35%; 8,787 homozygotes.

Submissions (2):

Illumina Laboratory Services, Illumina
Classification: Benign for Transcobalamin II deficiency. Last evaluated: 2018-01-13. Review status: criteria provided, single submitter. Criteria: ICSL Variant Classification Criteria 13 December 2019. Collection method: clinical testing. Allele origin: germline.
Comment: This variant was observed in the ICSL laboratory as part of a predisposition screen in an ostensibly healthy population. It had not been previously curated by ICSL or reported in the Human Gene Mutation Database (HGMD: prior to June 1st, 2018), and was therefore a candidate for classification through an automated scoring system. Utilizing variant allele frequency, disease prevalence and penetrance estimates, and inheritance mode, an automated score was calculated to assess if this variant is too frequent to cause the disease. Based on the score and internal cut-off values, a variant classified as benign is not then subjected to further curation. The score for this variant resulted in a classification of benign for this disease.

Breakthrough Genomics
Classification: Benign. Review status: criteria provided, single submitter. Criteria: ACMG Guidelines, 2015. Collection method: not provided. Allele origin: germline. Inheritance: Autosomal recessive inheritance. Affected: yes.

NM_000355.4(TCN2):c.*444C>T

Gene: TCN2 (transcobalamin 2; plus strand). Cytogenetic location: 22q12.2.
Variant type: single nucleotide variant.
Coding change: c.*444C>T on transcript NM_000355.4 (MANE Select); 444 bases downstream of the stop codon, C replaced by T.
Molecular consequence: 3 prime UTR variant.
Genome position (GRCh38, 1-based): chr22:30,626,965, C>T. VCF-style: chr22-30626965-C-T. GRCh37 (hg19) VCF-style: chr22-31022952-C-T.
Other names: c.*444C>T (NM_001184726.2).
Identifiers: ClinVar variation 341226 (VCV000341226.6), dbSNP rs10418, ClinGen allele CA10651084.